The following is an entry in ClinVar:

ClinVar aggregate classification (germline): Uncertain significance. Review status: criteria provided, multiple submitters, no conflicts (2 of 4 stars). 2 submissions from 2 submitters: Uncertain significance (2). Last evaluated 2025-11-01.

Conditions:
Inborn genetic diseases. Identifiers: MedGen C0950123, MeSH D030342.

gnomAD v4.1: 2 of 1,613,990 alleles (0.00012%); highest among the groups gnomAD compares: Non-Finnish European, 0.00017%; no homozygotes.

Submissions (2):

Labcorp Genetics (formerly Invitae), Labcorp
Classification: Uncertain significance. Last evaluated: 2025-11-01. Review status: criteria provided, single submitter. Criteria: Invitae Variant Classification Sherloc (09022015). Collection method: clinical testing. Allele origin: germline.
Comment: This sequence change replaces serine, which is neutral and polar, with leucine, which is neutral and non-polar, at codon 394 of the MYH3 protein (p.Ser394Leu). This variant is not present in population databases (gnomAD no frequency). This variant has not been reported in the literature in individuals affected with MYH3-related conditions. ClinVar contains an entry for this variant (Variation ID: 3876393). Invitae Evidence Modeling of protein sequence and biophysical properties (such as structural, functional, and spatial information, amino acid conservation, physicochemical variation, residue mobility, and thermodynamic stability) indicates that this missense variant is not expected to disrupt MYH3 protein function with a negative predictive value of 95%. In summary, the available evidence is currently insufficient to determine the role of this variant in disease. Therefore, it has been classified as a Variant of Uncertain Significance.

Ambry Genetics
Classification: Uncertain significance for Inborn genetic diseases. Last evaluated: 2025-01-20. Review status: criteria provided, single submitter. Criteria: Ambry Variant Classification Scheme 2023. Collection method: clinical testing. Allele origin: germline.

NM_002470.4(MYH3):c.1181C>T (p.Ser394Leu)

Gene: MYH3 (myosin heavy chain 3; minus strand). Cytogenetic location: 17p13.1.
Variant type: single nucleotide variant.
Coding change: c.1181C>T on transcript NM_002470.4 (MANE Select); coding-DNA position 1181, C replaced by T.
Protein change: p.Ser394Leu; replaces serine 394 with leucine.
Molecular consequence: missense variant.
Genome position (GRCh38, 1-based): chr17:10,644,663, G>A on the plus strand (C>T on the coding strand, the complement: MYH3 is on the minus strand). VCF-style: chr17-10644663-G-A. GRCh37 (hg19) VCF-style: chr17-10547980-G-A.
Other names: short protein forms S394L.
Identifiers: ClinVar variation 3876393 (VCV003876393.2).
Genomic context (GRCh38, chr17:10,644,663, plus strand): 5'-TTGGTAACGTACTCATTCCCAACTTTCACTCTAGGAAAGCACAAAGCTTTTAGGAGGTCC[G>A]AAGAGTTCAGGCCCATCAGATAGGCTGTTTTGTCAGCCACTGGCAAGAAAACAAGGACAG-3'
Protein context (NP_002461.2, residues 384-404): KTAYLMGLNS[Ser394Leu]DLLKALCFPR